The following is an entry in ClinVar:

ClinVar aggregate classification (germline): Pathogenic (3 of 4 stars; one submission).

Conditions:
Breast-ovarian cancer, familial, susceptibility to, 1 (BROVCA1). Also called: BRCA1 Hereditary Breast and Ovarian Cancer; OVARIAN CANCER, SUSCEPTIBILITY TO. Identifiers: Orphanet 145, MedGen C2676676, MONDO:0011450, OMIM 604370. Disease mechanism: loss of function.

Submission:

Evidence-based Network for the Interpretation of Germline Mutant Alleles (ENIGMA)
Classification: Pathogenic for Breast-ovarian cancer, familial, susceptibility to, 1. Last evaluated: 2016-09-08. Review status: reviewed by expert panel. Criteria: ENIGMA BRCA1/2 Classification Criteria (2015). Collection method: curation. Allele origin: germline.
Comment: Variant allele predicted to encode a truncated non-functional protein.

NM_007294.4(BRCA1):c.3710_3711dup (p.Pro1238fs)

Genes: BRCA1 (BRCA1 DNA repair associated; minus strand), LOC126862571 (BRD4-independent group 4 enhancer GRCh37_chr17:41243136-41244335; plus strand). Cytogenetic location: 17q21.31.
Variant type: Microsatellite.
Coding change: c.3710_3711dup on transcript NM_007294.4 (MANE Select); coding-DNA positions 3710 to 3711, 2 bases duplicated (TA; older notation c.3710_3711dupTA).
Protein change: p.Pro1238fs; shifts the reading frame from proline 1238.
Molecular consequence: frameshift variant. On other transcripts: intron variant (135).
Genome position (GRCh38, 1-based): chr17:43,091,820-43,091,821, TA duplicated on the plus strand (TA on the coding strand, the reverse complement: BRCA1 is on the minus strand); duplicating any 2 consecutive bases within chr17:43,091,820-43,091,824 gives the same sequence; the c. name uses the placement nearest the transcript's 3' end. VCF-style (leftmost placement, unchanged base first): chr17-43091819-G-GTA. GRCh37 (hg19) VCF-style: chr17-41243836-G-GTA.
Other names: c.3710_3711dupTA (NM_007294.3); c.284-791TA[3] (NM_001408512.1); c.407-791TA[3] (NM_001408510.1); c.644-791TA[3] (NM_001408470.1, NM_001408464.1, NM_001408468.1 and 3 more transcripts); c.647-791TA[3] (NM_001408469.1, NM_001408453.1, NM_001408461.1 and 11 more transcripts); c.785-791TA[3] (NM_001408397.1, NM_001408401.1, NM_001408396.1 and 13 more transcripts); c.665-791TA[3] (NM_001408436.1, NM_001408444.1, NM_001408438.1 and 12 more transcripts); c.788-791TA[3] (NM_001407980.1, NM_001407993.1, NM_001407976.1 and 17 more transcripts); and 42 more; short protein forms P1191fs, P1238fs, P1127fs, P1167fs, P1171fs, P1190fs, P1237fs, P942fs.
Identifiers: ClinVar variation 254441 (VCV000254441.3), dbSNP rs777371832, ClinGen allele CA8589947.